The following is an entry in ClinVar:

ClinVar aggregate classification (germline): Likely benign (1 of 4 stars; one submission).

Conditions:
Leigh syndrome (NULS). Also called: Leigh's necrotizing encephalopathy; Leigh's disease; Leigh Syndrome (mtDNA deletion); Leigh Disease; Subacute necrotizing encephalopathy; Necrotizing encephalopathy infantile subacute of Leigh. Identifiers: Orphanet 506, MedGen C2931891, MONDO:0009723, OMIM 256000.

Submission:

Wong Mito Lab, Molecular and Human Genetics, Baylor College of Medicine
Classification: Likely benign for Leigh syndrome. Last evaluated: 2019-10-17. Review status: criteria provided, single submitter. Criteria: Modified ACMG Guidelines (Unpublished). Collection method: clinical testing. Allele origin: germline.
Comment: The NC_012920.1:m.4531C>T (YP_003024027.1:p.Ala21Val) variant in MTND2 gene is interpretated to be a Likely Benign variant based on the modified ACMG guidelines (unpublished). This variant meets the following evidence codes: BP4, BP6

NC_012920.1(MT-ND2):m.4531C>T

Gene: MT-ND2 (mitochondrially encoded NADH dehydrogenase 2; plus strand).
Variant type: single nucleotide variant.
Genome position: chrM-4531-C-T.
Identifiers: ClinVar variation 692459 (VCV000692459.1), dbSNP rs1603219496, ClinGen allele CA414774671.